The following is an entry in ClinVar:

ClinVar aggregate classification (germline): Uncertain significance (1 of 4 stars; one submission).

gnomAD v4.1: 1 of 1,610,878 alleles (0.000062%); highest among the groups gnomAD compares: African/African-American, 0.0013%; no homozygotes.

Submission:

GeneDx
Classification: Uncertain significance. Last evaluated: 2025-05-28. Review status: criteria provided, single submitter. Criteria: GeneDx Variant Classification Process June 2021. Collection method: clinical testing. Allele origin: germline. Affected: yes.
Comment: Not observed at significant frequency in large population cohorts (gnomAD); In silico analysis suggests that this missense variant does not alter protein structure/function; Has not been previously published as pathogenic or benign to our knowledge

NM_001145809.2(MYH14):c.3889G>C (p.Glu1297Gln)

Gene: MYH14 (myosin heavy chain 14; plus strand). Cytogenetic location: 19q13.33.
Variant type: single nucleotide variant.
Coding change: c.3889G>C on transcript NM_001145809.2 (MANE Select); coding-DNA position 3889, G replaced by C.
Protein change: p.Glu1297Gln; replaces glutamic acid 1297 with glutamine.
Molecular consequence: missense variant.
Genome position (GRCh38, 1-based): chr19:50,278,146, G>C. VCF-style: chr19-50278146-G-C. GRCh37 (hg19) VCF-style: chr19-50781403-G-C.
Other names: c.3790G>C, p.Glu1264Gln (NM_001077186.2); c.3766G>C, p.Glu1256Gln (NM_024729.4); short protein forms E1256Q, E1264Q, E1297Q.
Identifiers: ClinVar variation 4532689 (VCV004532689.1).